The following is an entry in ClinVar:

NM_020751.3(COG6):c.*3A>G

Gene: COG6 (component of oligomeric golgi complex 6; plus strand). Cytogenetic location: 13q14.11.
Variant type: single nucleotide variant.
Coding change: c.*3A>G on transcript NM_020751.3 (MANE Select); 3 bases downstream of the stop codon, A replaced by G.
Molecular consequence: 3 prime UTR variant. On other transcripts: non-coding transcript variant (1), intron variant (1).
Genome position (GRCh38, 1-based): chr13:39,751,096, A>G. VCF-style: chr13-39751096-A-G. GRCh37 (hg19) VCF-style: chr13-40325233-A-G.
Other names: c.1826+23548A>G (NM_001145079.2).
Identifiers: ClinVar variation 3030954 (VCV003030954.2), dbSNP rs371476957, ClinGen allele CA248881728.

ClinVar aggregate classification (germline): Likely benign (0 of 4 stars; one submission).

Conditions:
COG6-related disorder.

Allele frequency attached by ClinVar (database versions not stated): ESP Exome Variant Server 0.00008.

Submission:

PreventionGenetics, part of Exact Sciences
Classification: Likely benign for COG6-related condition. Last evaluated: 2021-01-21. Review status: no assertion criteria provided. Collection method: clinical testing. Allele origin: germline.
Comment: This variant is classified as likely benign based on ACMG/AMP sequence variant interpretation guidelines (Richards et al. 2015 PMID: 25741868, with internal and published modifications).